The following is an entry in ClinVar:

ClinVar aggregate classification (germline): Uncertain significance (1 of 4 stars; one submission).

Conditions:
Tumor predisposition syndrome 3 (TPDS3). Also called: Glioma susceptibility 9; LONG TELOMERE SYNDROME, POT1-RELATED; POT1 Tumor Predisposition; Melanoma, cutaneous malignant, susceptibility to, 10. Identifiers: Orphanet 618, MedGen C4014476, MONDO:0014368, OMIM 615848.

Submission:

Labcorp Genetics (formerly Invitae), Labcorp
Classification: Uncertain significance for Tumor predisposition syndrome 3. Last evaluated: 2022-07-12. Review status: criteria provided, single submitter. Criteria: Invitae Variant Classification Sherloc (09022015). Collection method: clinical testing. Allele origin: germline.
Comment: In summary, the available evidence is currently insufficient to determine the role of this variant in disease. Therefore, it has been classified as a Variant of Uncertain Significance. This sequence change replaces glutamic acid, which is acidic and polar, with lysine, which is basic and polar, at codon 462 of the POT1 protein (p.Glu462Lys). This variant is not present in population databases (gnomAD no frequency). This variant has not been reported in the literature in individuals affected with POT1-related conditions. ClinVar contains an entry for this variant (Variation ID: 1016821). Algorithms developed to predict the effect of missense changes on protein structure and function (SIFT, PolyPhen-2, Align-GVGD) all suggest that this variant is likely to be disruptive. Algorithms developed to predict the effect of sequence changes on RNA splicing suggest that this variant may disrupt the consensus splice site.

NM_015450.3(POT1):c.1384G>A (p.Glu462Lys)

Gene: POT1 (protection of telomeres 1; minus strand). Cytogenetic location: 7q31.33.
Variant type: single nucleotide variant.
Coding change: c.1384G>A on transcript NM_015450.3 (MANE Select); coding-DNA position 1384, G replaced by A.
Protein change: p.Glu462Lys; replaces glutamic acid 462 with lysine.
Molecular consequence: missense variant. On other transcripts: non-coding transcript variant (3).
Genome position (GRCh38, 1-based): chr7:124,835,400, C>T on the plus strand (G>A on the coding strand, the complement: POT1 is on the minus strand). VCF-style: chr7-124835400-C-T. GRCh37 (hg19) VCF-style: chr7-124475454-C-T.
Other names: c.991G>A, p.Glu331Lys (NM_001042594.2); short protein forms E331K, E462K.
Identifiers: ClinVar variation 1016821 (VCV001016821.9), dbSNP rs1794875781, ClinGen allele CA369066032.